The following is an entry in ClinVar:

ClinVar aggregate classification (germline): Uncertain significance. Review status: criteria provided, multiple submitters, no conflicts (2 of 4 stars). 2 submissions from 2 submitters: Uncertain significance (2). Last evaluated 2026-06-24.

Conditions:
Inborn genetic diseases. Identifiers: MedGen C0950123, MeSH D030342.

Allele frequency attached by ClinVar (database versions not stated): gnomAD exomes below 0.00001 and 0.00001.
gnomAD v4.1: 2 of 1,211,357 alleles (0.00017%); highest among the groups gnomAD compares: Non-Finnish European, 0.00022%; no homozygotes.

Submissions (2):

Ambry Genetics
Classification: Uncertain significance for Inborn genetic diseases. Last evaluated: 2026-06-24. Review status: criteria provided, single submitter. Criteria: Ambry Variant Classification Scheme 2023. Collection method: clinical testing. Allele origin: germline.

Labcorp Genetics (formerly Invitae), Labcorp
Classification: Uncertain significance. Last evaluated: 2022-09-08. Review status: criteria provided, single submitter. Criteria: Invitae Variant Classification Sherloc (09022015). Collection method: clinical testing. Allele origin: germline.
Comment: In summary, the available evidence is currently insufficient to determine the role of this variant in disease. Therefore, it has been classified as a Variant of Uncertain Significance. Algorithms developed to predict the effect of missense changes on protein structure and function are either unavailable or do not agree on the potential impact of this missense change (SIFT: "Deleterious"; PolyPhen-2: "Probably Damaging"; Align-GVGD: "Class C0"). ClinVar contains an entry for this variant (Variation ID: 953605). This variant has not been reported in the literature in individuals affected with FRMD7-related conditions. This variant is present in population databases (no rsID available, gnomAD 0.001%). This sequence change replaces glutamic acid, which is acidic and polar, with glycine, which is neutral and non-polar, at codon 656 of the FRMD7 protein (p.Glu656Gly).

NM_194277.3(FRMD7):c.1967A>G (p.Glu656Gly)

Gene: FRMD7 (FERM domain containing 7; minus strand). Cytogenetic location: Xq26.2.
Variant type: single nucleotide variant.
Coding change: c.1967A>G on transcript NM_194277.3 (MANE Select); coding-DNA position 1967, A replaced by G.
Protein change: p.Glu656Gly; replaces glutamic acid 656 with glycine.
Molecular consequence: missense variant.
Genome position (GRCh38, 1-based): chrX:132,078,050, T>C on the plus strand (A>G on the coding strand, the complement: FRMD7 is on the minus strand). VCF-style: chrX-132078050-T-C. GRCh37 (hg19) VCF-style: chrX-131212078-T-C.
Other names: c.1922A>G, p.Glu641Gly (NM_001306193.2); short protein forms E641G, E656G.
Identifiers: ClinVar variation 953605 (VCV000953605.8), dbSNP rs924442672, ClinGen allele CA335857465.